The following is an entry in ClinVar:

NM_080425.4(GNAS):c.1140C>G (p.Ser380=)

Gene: GNAS (GNAS complex locus; plus strand). Cytogenetic location: 20q13.32.
Variant type: single nucleotide variant.
Coding change: c.1140C>G on transcript NM_080425.4 (MANE Plus Clinical); coding-DNA position 1140, C replaced by G.
Protein change: p.Ser380=; no amino-acid change (serine 380 retained).
Molecular consequence: synonymous variant. On other transcripts: missense variant (2), intron variant (3).
Genome position (GRCh38, 1-based): chr20:58,854,405, C>G. VCF-style: chr20-58854405-C-G. GRCh37 (hg19) VCF-style: chr20-57429460-C-G.
Other names: c.953C>G, p.Pro318Arg (NM_001077490.3, NM_001309883.1); c.1140C>G, p.Ser380= (NM_001410913.1); c.*42+13519C>G (NM_016592.5); c.43+13519C>G (NM_001410912.1); c.-39+12530C>G (NM_001309861.2); short protein forms P318R.
Identifiers: ClinVar variation 4993921 (VCV004993921.1).

ClinVar aggregate classification (germline): Uncertain significance (1 of 4 stars; one submission).

Conditions:
GNAS-related disorder. Identifiers: MedGen CN380105.

Submission:

PreventionGenetics, part of Exact Sciences
Classification: Uncertain significance for GNAS-related condition. Last evaluated: 2025-09-18. Review status: criteria provided, single submitter. Criteria: ACMG Guidelines, 2015. Collection method: clinical testing. Allele origin: germline.
Comment: The GNAS c.953C>G variant is predicted to result in the amino acid substitution p.Pro318Arg. To our knowledge, this variant has not been reported in the literature or in a large population database (gnomAD), indicating this variant is rare. This variant is also known as a precoding variant c.-37322C>G on the primary disease associated transcript NM_000516. At this time, the clinical significance of this variant is uncertain due to the absence of conclusive functional and genetic evidence.